The following is an entry in ClinVar:

ClinVar aggregate classification (germline): Conflicting classifications of pathogenicity. Review status: criteria provided, conflicting classifications (1 of 4 stars). 7 submissions from 7 submitters: Uncertain significance (5); Likely benign (1). 1 of the submissions does not count toward it. Last evaluated 2026-01-27.

Conditions:
Hematuria, benign familial, 1 (BFH1). Also called: THIN MEMBRANE NEPHROPATHY. Identifiers: MedGen CN376803, MONDO:0007709, OMIM 141200.
Autosomal recessive Alport syndrome (ATS2). Also called: COL4A4 Alport Syndrome and Thin Basement Membrane Nephropathy; ALPORT SYNDROME 2, AUTOSOMAL RECESSIVE; COL4A3-Related Nephropathy; Alport syndrome type 2. Identifiers: Orphanet 63, Orphanet 88919, MedGen C4746745, MONDO:0008762, OMIM 203780.
X-linked Alport syndrome (ATS1). Also called: COL4A5-Related Nephropathy; NEPHROPATHY AND DEAFNESS, X-LINKED. Identifiers: Orphanet 63, Orphanet 88917, MedGen C4746986, MONDO:0010520, OMIM 301050.

Allele frequency attached by ClinVar (database versions not stated): gnomAD 0.00003; TOPMed 0.00006; ExAC 0.00007; gnomAD exomes 0.00008.
gnomAD v4.1: 88 of 1,614,130 alleles (0.0055%); highest among the groups gnomAD compares: Admixed American, 0.022%; no homozygotes.

Submissions (7):

GeneDx
Classification: Uncertain significance. Last evaluated: 2026-01-27. Review status: criteria provided, single submitter. Criteria: GeneDx Variant Classification Process June 2021. Collection method: clinical testing. Allele origin: germline.
Comment: Identified in patients with thin glomerular basement membrane in published literature (PMID: 36130833, 17216251); In silico analysis supports that this missense variant has a deleterious effect on protein structure/function; This variant is associated with the following publications: (PMID: 33613712, 17216251, 36130833)

Labcorp Genetics (formerly Invitae), Labcorp
Classification: Likely benign. Last evaluated: 2025-12-29. Review status: criteria provided, single submitter. Criteria: Invitae Variant Classification Sherloc (09022015). Collection method: clinical testing. Allele origin: germline.

Mayo Clinic Laboratories, Mayo Clinic
Classification: Uncertain significance. Last evaluated: 2025-03-07. Review status: criteria provided, single submitter. Criteria: ACMG Guidelines, 2015. Collection method: clinical testing. Allele origin: germline. Observed: 1 variant allele.
Comment: PP3, PM2_supporting

Department of Human Genetics, Hannover Medical School
Classification: Uncertain significance for X-linked Alport syndrome. Last evaluated: 2024-07-30. Review status: criteria provided, single submitter. Criteria: ACMG Guidelines, 2015. Collection method: clinical testing. Allele origin: germline. Inheritance: Autosomal recessive inheritance. Affected: yes.

Fulgent Genetics
Classification: Uncertain significance for Hematuria, benign familial, 1; Autosomal recessive Alport syndrome. Last evaluated: 2024-06-05. Review status: criteria provided, single submitter. Criteria: ACMG Guidelines, 2015. Collection method: clinical testing. Allele origin: germline.

Blueprint Genetics
Classification: Uncertain significance. Last evaluated: 2024-04-18. Review status: criteria provided, single submitter. Criteria: ACMG Guidelines, 2015. Collection method: clinical testing. Allele origin: germline.

Counsyl
Classification: Uncertain significance for Autosomal recessive Alport syndrome. Last evaluated: 2017-02-10. Review status: no assertion criteria provided. Collection method: clinical testing. Allele origin: unknown. Not counted in ClinVar's aggregate classification.

Literature cited by the submitters: PubMed 17216251 (cited by Mayo Clinic Laboratories, Mayo Clinic and Counsyl); PubMed 36130833 (cited by Mayo Clinic Laboratories, Mayo Clinic).

NM_000092.5(COL4A4):c.5029C>T (p.Arg1677Cys)

Gene: COL4A4 (collagen type IV alpha 4 chain; minus strand). Cytogenetic location: 2q36.3.
Variant type: single nucleotide variant.
Coding change: c.5029C>T on transcript NM_000092.5 (MANE Select); coding-DNA position 5029, C replaced by T.
Protein change: p.Arg1677Cys; replaces arginine 1677 with cysteine.
Molecular consequence: missense variant.
Genome position (GRCh38, 1-based): chr2:227,007,369, G>A on the plus strand (C>T on the coding strand, the complement: COL4A4 is on the minus strand). VCF-style: chr2-227007369-G-A. GRCh37 (hg19) VCF-style: chr2-227872085-G-A.
Other names: p.Arg1677Cys; short protein forms R1677C.
Identifiers: ClinVar variation 550714 (VCV000550714.13), dbSNP rs759631057, ClinGen allele CA2143995.
Genomic context (GRCh38, chr2:227,007,369, plus strand): 5'-GTGAATTTCGCATTCTCTAGCTATACTTCACGCAGACCTGGCACCGGCTGATTTTCTGGC[G>A]TTGGGCCTGGCTTTCTTTTAAGGTGTCTGGTGCTGGAGCAGAGGAAAACTGCAAGTCTGC-3'
Protein context (NP_000083.3, residues 1667-1687): PDTLKESQAQ[Arg1677Cys]QKISRCQVCV